The following is an entry in ClinVar:

NM_152305.3(POGLUT1):c.71G>A (p.Arg24His)

Gene: POGLUT1 (protein O-glucosyltransferase 1; plus strand). Cytogenetic location: 3q13.33.
Variant type: single nucleotide variant.
Coding change: c.71G>A on transcript NM_152305.3 (MANE Select); coding-DNA position 71, G replaced by A.
Protein change: p.Arg24His; replaces arginine 24 with histidine.
Molecular consequence: missense variant. On other transcripts: non-coding transcript variant (1).
Genome position (GRCh38, 1-based): chr3:119,469,092, G>A. VCF-style: chr3-119469092-G-A. GRCh37 (hg19) VCF-style: chr3-119187939-G-A.
Other names: short protein forms R24H.
Identifiers: ClinVar variation 1484890 (VCV001484890.7), dbSNP rs749739928, ClinGen allele CA2554714.

ClinVar aggregate classification (germline): Uncertain significance. Review status: criteria provided, multiple submitters, no conflicts (2 of 4 stars). 2 submissions from 2 submitters: Uncertain significance (2). Last evaluated 2024-06-20.

Allele frequency attached by ClinVar (database versions not stated): ExAC 0.00001; TOPMed 0.00001; gnomAD 0.00002.
gnomAD v4.1: 16 of 1,605,868 alleles (0.001%); highest among the groups gnomAD compares: Admixed American, 0.02%; no homozygotes.

Submissions (2):

Revvity Omics, Revvity
Classification: Uncertain significance. Last evaluated: 2024-06-20. Review status: criteria provided, single submitter. Criteria: ACMG Guidelines, 2015. Collection method: clinical testing. Allele origin: germline.

Labcorp Genetics (formerly Invitae), Labcorp
Classification: Uncertain significance. Last evaluated: 2023-12-01. Review status: criteria provided, single submitter. Criteria: Invitae Variant Classification Sherloc (09022015). Collection method: clinical testing. Allele origin: germline.
Comment: This sequence change replaces arginine, which is basic and polar, with histidine, which is basic and polar, at codon 24 of the POGLUT1 protein (p.Arg24His). This variant is present in population databases (rs749739928, gnomAD 0.03%). This variant has not been reported in the literature in individuals affected with POGLUT1-related conditions. ClinVar contains an entry for this variant (Variation ID: 1484890). An algorithm developed to predict the effect of missense changes on protein structure and function (PolyPhen-2) suggests that this variant is likely to be tolerated. In summary, the available evidence is currently insufficient to determine the role of this variant in disease. Therefore, it has been classified as a Variant of Uncertain Significance.